The following is an entry in ClinVar:

NM_003787.5(NOL4):c.301C>T (p.Arg101Trp)

Gene: NOL4 (nucleolar protein 4; minus strand). Cytogenetic location: 18q12.1.
Variant type: single nucleotide variant.
Coding change: c.301C>T on transcript NM_003787.5 (MANE Select); coding-DNA position 301, C replaced by T.
Protein change: p.Arg101Trp; replaces arginine 101 with tryptophan.
Molecular consequence: missense variant. On other transcripts: 5 prime UTR variant (8).
Genome position (GRCh38, 1-based): chr18:34,129,984, G>A on the plus strand (C>T on the coding strand, the complement: NOL4 is on the minus strand). VCF-style: chr18-34129984-G-A. GRCh37 (hg19) VCF-style: chr18-31709948-G-A.
Other names: c.301C>T, p.Arg101Trp (NM_001198546.1, NM_001198548.1, NM_001353232.1 and 3 more transcripts); c.79C>T, p.Arg27Trp (NM_001198547.2, NM_001353234.2); c.-206C>T (NM_001282527.2, NM_001353235.2, NM_001353237.1); c.-665C>T (NM_001353233.1, NM_001384473.1); c.-42C>T (NM_001384470.1); c.-275C>T (NM_001384471.1); c.-661C>T (NM_001384472.1); short protein forms R101W, R27W.
Identifiers: ClinVar variation 2648670 (VCV002648670.24), dbSNP rs755854498, ClinGen allele CA8935148.
Genomic context (GRCh38, chr18:34,129,984, plus strand): 5'-GCCCCGTTTCCACATGCATCGAATAAATAATGTCAAAGAAATCTTCAACCACAGCTACCC[G>A]TCGTAAAGATAGCTTCTCATCTACCCCTACGCCATCCTGGAAACAAAACAACAACAACAA-3'
Protein context (NP_003778.2, residues 91-111): VGVDEKLSLR[Arg101Trp]VAVVEDFFDI

ClinVar aggregate classification (germline): Uncertain significance (1 of 4 stars; one submission).

Allele frequency attached by ClinVar (database versions not stated): gnomAD exomes below 0.00001; ExAC 0.00001.
gnomAD v4.1: 6 of 1,591,608 alleles (0.00038%); highest among the groups gnomAD compares: Non-Finnish European, 0.00043%; no homozygotes.

Submission:

CeGaT Center for Human Genetics Tuebingen
Classification: Uncertain significance. Last evaluated: 2022-10-01. Review status: criteria provided, single submitter. Criteria: CeGaT Center For Human Genetics Tuebingen Variant Classification Criteria Version 2. Collection method: clinical testing. Allele origin: germline. Affected: yes. Observed: 1 variant allele.
Comment: NOL4: PP3